The following is an entry in ClinVar:

NM_020806.5(GPHN):c.1470C>T (p.Ile490=)

Gene: GPHN (gephyrin; plus strand). Cytogenetic location: 14q23.3.
Variant type: single nucleotide variant.
Coding change: c.1470C>T on transcript NM_020806.5 (MANE Select); coding-DNA position 1470, C replaced by T.
Protein change: p.Ile490=; no amino-acid change (isoleucine 490 retained).
Molecular consequence: synonymous variant.
Genome position (GRCh38, 1-based): chr14:67,111,917, C>T. VCF-style: chr14-67111917-C-T. GRCh37 (hg19) VCF-style: chr14-67578634-C-T.
Other names: c.1371C>T, p.Ile457= (NM_001024218.2); c.1530C>T, p.Ile510= (NM_001377514.1); c.1500C>T, p.Ile500= (NM_001377515.1); c.1491C>T, p.Ile497= (NM_001377516.1); c.1443C>T, p.Ile481= (NM_001377517.1); c.1428C>T, p.Ile476= (NM_001377518.1); c.1410C>T, p.Ile470= (NM_001377519.1).
Identifiers: ClinVar variation 2810822 (VCV002810822.3), dbSNP rs2543395273, ClinGen allele CA486943391.

ClinVar aggregate classification (germline): Uncertain significance (1 of 4 stars; one submission).

Conditions:
Sulfite oxidase deficiency due to molybdenum cofactor deficiency type C. Also called: Molybdenum cofactor deficiency, complementation group C; Molybdenum cofactor deficiency C. Identifiers: Orphanet 308400, Orphanet 833, MedGen C1854990, MONDO:0014212, OMIM 615501.

Submission:

Labcorp Genetics (formerly Invitae), Labcorp
Classification: Uncertain significance for Sulfite oxidase deficiency due to molybdenum cofactor deficiency type C. Last evaluated: 2023-02-14. Review status: criteria provided, single submitter. Criteria: Invitae Variant Classification Sherloc (09022015). Collection method: clinical testing. Allele origin: germline.
Comment: In summary, the available evidence is currently insufficient to determine the role of this variant in disease. Therefore, it has been classified as a Variant of Uncertain Significance. Algorithms developed to predict the effect of sequence changes on RNA splicing suggest that this variant may disrupt the consensus splice site. This variant has not been reported in the literature in individuals affected with GPHN-related conditions. This variant is not present in population databases (gnomAD no frequency). This sequence change affects codon 490 of the GPHN mRNA. It is a 'silent' change, meaning that it does not change the encoded amino acid sequence of the GPHN protein.